The following is an entry in ClinVar:

ClinVar aggregate classification (germline): Uncertain significance (1 of 4 stars; one submission).

Submission:

GeneDx
Classification: Uncertain significance. Last evaluated: 2024-08-20. Review status: criteria provided, single submitter. Criteria: GeneDx Variant Classification Process June 2021. Collection method: clinical testing. Allele origin: germline. Affected: yes.
Comment: Not observed at significant frequency in large population cohorts (gnomAD); In silico analysis supports that this missense variant has a deleterious effect on protein structure/function; Has not been previously published as pathogenic or benign to our knowledge

NM_031407.7(HUWE1):c.7925C>A (p.Ser2642Tyr)

Gene: HUWE1 (HECT, UBA and WWE domain containing E3 ubiquitin protein ligase 1; minus strand). Cytogenetic location: Xp11.22.
Variant type: single nucleotide variant.
Coding change: c.7925C>A on transcript NM_031407.7 (MANE Select); coding-DNA position 7925, C replaced by A.
Protein change: p.Ser2642Tyr; replaces serine 2642 with tyrosine.
Molecular consequence: missense variant.
Genome position (GRCh38, 1-based): chrX:53,559,051, G>T on the plus strand (C>A on the coding strand, the complement: HUWE1 is on the minus strand). VCF-style: chrX-53559051-G-T. GRCh37 (hg19) VCF-style: chrX-53586012-G-T.
Other names: short protein forms S2642Y.
Identifiers: ClinVar variation 3764319 (VCV003764319.1).